The following is an entry in ClinVar:

ClinVar aggregate classification (germline): Uncertain significance. Review status: criteria provided, multiple submitters, no conflicts (2 of 4 stars). 2 submissions from 2 submitters: Uncertain significance (2). Last evaluated 2025-03-05.

Conditions:
Tumor predisposition syndrome 3 (TPDS3). Also called: Melanoma, cutaneous malignant, susceptibility to, 10; Glioma susceptibility 9; LONG TELOMERE SYNDROME, POT1-RELATED; POT1 Tumor Predisposition. Identifiers: Orphanet 618, MedGen C4014476, MONDO:0014368, OMIM 615848.
Hereditary cancer-predisposing syndrome. Also called: Neoplastic Syndromes, Hereditary; Hereditary Cancer Syndrome; Hereditary neoplastic syndrome; Tumor predisposition. Identifiers: Orphanet 140162, MedGen C0027672, MeSH D009386, MONDO:0015356.

Allele frequency attached by ClinVar (database versions not stated): gnomAD exomes below 0.00001.
gnomAD v4.1: 2 of 1,602,848 alleles (0.00012%); highest among the groups gnomAD compares: Non-Finnish European, 0.00017%; no homozygotes.

Submissions (2):

Labcorp Genetics (formerly Invitae), Labcorp
Classification: Uncertain significance for Tumor predisposition syndrome 3. Last evaluated: 2025-03-05. Review status: criteria provided, single submitter. Criteria: Invitae Variant Classification Sherloc (09022015). Collection method: clinical testing. Allele origin: germline.
Comment: This sequence change replaces threonine, which is neutral and polar, with isoleucine, which is neutral and non-polar, at codon 48 of the POT1 protein (p.Thr48Ile). This variant is not present in population databases (gnomAD no frequency). This missense change has been observed in individual(s) with gastric cancer (PMID: 33525650). ClinVar contains an entry for this variant (Variation ID: 1038624). Invitae Evidence Modeling of protein sequence and biophysical properties (such as structural, functional, and spatial information, amino acid conservation, physicochemical variation, residue mobility, and thermodynamic stability) indicates that this missense variant is not expected to disrupt POT1 protein function with a negative predictive value of 80%. In summary, the available evidence is currently insufficient to determine the role of this variant in disease. Therefore, it has been classified as a Variant of Uncertain Significance.

Ambry Genetics
Classification: Uncertain significance for Hereditary cancer-predisposing syndrome. Last evaluated: 2025-01-21. Review status: criteria provided, single submitter. Criteria: Ambry Variant Classification Scheme 2023. Collection method: clinical testing. Allele origin: germline.
Comment: The p.T48I variant (also known as c.143C>T), located in coding exon 3 of the POT1 gene, results from a C to T substitution at nucleotide position 143. The threonine at codon 48 is replaced by isoleucine, an amino acid with similar properties. This alteration was detected in a cohort of 20 early-onset gastric cancer patients who underwent whole-exome sequencing (Herrera-Pariente C et al. Int J Mol Sci, 2021 Jan;22:). This amino acid position is conserved. In addition, this alteration is predicted to be tolerated by in silico analysis. Based on the available evidence, the clinical significance of this variant remains unclear.

Literature cited by the submitters: PubMed 33525650 (cited by Labcorp Genetics (formerly Invitae), Labcorp and Ambry Genetics).

NM_015450.3(POT1):c.143C>T (p.Thr48Ile)

Gene: POT1 (protection of telomeres 1; minus strand). Cytogenetic location: 7q31.33.
Variant type: single nucleotide variant.
Coding change: c.143C>T on transcript NM_015450.3 (MANE Select); coding-DNA position 143, C replaced by T.
Protein change: p.Thr48Ile; replaces threonine 48 with isoleucine.
Molecular consequence: missense variant. On other transcripts: non-coding transcript variant (3), intron variant (1).
Genome position (GRCh38, 1-based): chr7:124,871,023, G>A on the plus strand (C>T on the coding strand, the complement: POT1 is on the minus strand). VCF-style: chr7-124871023-G-A. GRCh37 (hg19) VCF-style: chr7-124511077-G-A.
Other names: c.-138-7383C>T (NM_001042594.2); short protein forms T48I.
Identifiers: ClinVar variation 1038624 (VCV001038624.12), dbSNP rs1002823146, ClinGen allele CA166079928.
Genomic context (GRCh38, chr7:124,871,023, plus strand): 5'-GCTTCATAGTTTCCACTAAAGAGCAGGCAAGTTAGTTTTACATTTGTCTGGTCCACAATA[G>A]TTACAACTGAGCAATAATCTGGAAAACACAAAAATATTTTACCTGACTTTCAATATTTTA-3'
Protein context (NP_056265.2, residues 38-58): SKGTDYCSVV[Thr48Ile]IVDQTNVKLT